The following is an entry in ClinVar:

ClinVar aggregate classification (germline): Conflicting classifications of pathogenicity. Review status: criteria provided, conflicting classifications (1 of 4 stars). 2 submissions from 2 submitters: Likely pathogenic (1); Uncertain significance (1). Last evaluated 2024-03-26.

Conditions:
Episodic ataxia, type 9. Identifiers: MedGen C5394520, MONDO:0030064, OMIM 618924.
Seizures, benign familial infantile, 3 (BFIS3). Also called: CONVULSIONS, BENIGN FAMILIAL INFANTILE, 3; Familial neonatal seizures. Identifiers: Orphanet 140927, Orphanet 306, MedGen C1843140, MONDO:0011904, OMIM 607745.
Developmental and epileptic encephalopathy, 11 (DEE11). Also called: Early infantile epileptic encephalopathy 11. Identifiers: Orphanet 1934, MedGen C3150987, MONDO:0013388, OMIM 613721.

Submissions (2):

Genomic Medicine Center of Excellence, King Faisal Specialist Hospital and Research Centre
Classification: Likely pathogenic for Episodic ataxia, type 9. Last evaluated: 2024-03-26. Review status: criteria provided, single submitter. Criteria: ACMG Guidelines, 2015. Collection method: clinical testing. Allele origin: germline.

Labcorp Genetics (formerly Invitae), Labcorp
Classification: Uncertain significance for Seizures, benign familial infantile, 3; Developmental and epileptic encephalopathy, 11. Last evaluated: 2023-02-02. Review status: criteria provided, single submitter. Criteria: Invitae Variant Classification Sherloc (09022015). Collection method: clinical testing. Allele origin: germline.
Comment: In summary, the available evidence is currently insufficient to determine the role of this variant in disease. Therefore, it has been classified as a Variant of Uncertain Significance. This variant disrupts the p.Ile1541 amino acid residue in SCN2A. Other variant(s) that disrupt this residue have been observed in individuals with SCN2A-related conditions (PMID: 32139178), which suggests that this may be a clinically significant amino acid residue. Advanced modeling of protein sequence and biophysical properties (such as structural, functional, and spatial information, amino acid conservation, physicochemical variation, residue mobility, and thermodynamic stability) performed at Invitae indicates that this missense variant is expected to disrupt SCN2A protein function. This missense change has been observed in individual(s) with early infantile epileptic encephalopathy (Invitae). This variant is not present in population databases (gnomAD no frequency). This sequence change replaces isoleucine, which is neutral and non-polar, with methionine, which is neutral and non-polar, at codon 1541 of the SCN2A protein (p.Ile1541Met).

Literature cited by the submitters: PubMed 32139178 (cited by Labcorp Genetics (formerly Invitae), Labcorp).

NM_001040142.2(SCN2A):c.4623C>G (p.Ile1541Met)

Gene: SCN2A (sodium voltage-gated channel alpha subunit 2; plus strand). Cytogenetic location: 2q24.3.
Variant type: single nucleotide variant.
Coding change: c.4623C>G on transcript NM_001040142.2 (MANE Select); coding-DNA position 4623, C replaced by G.
Protein change: p.Ile1541Met; replaces isoleucine 1541 with methionine.
Molecular consequence: missense variant.
Genome position (GRCh38, 1-based): chr2:165,386,817, C>G. VCF-style: chr2-165386817-C-G. GRCh37 (hg19) VCF-style: chr2-166243327-C-G.
Other names: c.4623C>G, p.Ile1541Met (NM_001040143.2, NM_001371246.1, NM_001371247.1 and 1 more transcripts); short protein forms I1541M.
Identifiers: ClinVar variation 2943871 (VCV002943871.4), dbSNP rs2468149512, ClinGen allele CA349036308.
Genomic context (GRCh38, chr2:165,386,817, plus strand): 5'-AGGAATGGTCTTTGATTTTGTAACCAAACAAGTCTTTGATATCAGCATCATGATCCTCAT[C>G]TGCCTTAACATGGTCACCATGATGGTGGAAACCGATGACCAGAGTCAAGAAATGACAAAC-3'
Protein context (NP_001035232.1, residues 1531-1551): QVFDISIMIL[Ile1541Met]CLNMVTMMVE